The following is an entry in ClinVar:

ClinVar aggregate classification (germline): Pathogenic (1 of 4 stars; one submission).

Conditions:
Primary hyperoxaluria type 3. Also called: PH III. Identifiers: Orphanet 416, Orphanet 93600, MedGen C3150878, MONDO:0013327, OMIM 613616. Disease mechanism: loss of function.

Submission:

Natera, Inc.
Classification: Pathogenic for Primary hyperoxaluria type III. Last evaluated: 2025-03-17. Review status: criteria provided, single submitter. Criteria: Natera Variant Classification Schema (03/2026). Collection method: clinical testing. Allele origin: germline.
Comment: The c.834+1dup variant in HOGA1 is a canonical splice donor site variant predicted to affect pre-mRNA splicing, which may result in an abnormal transcript and altered protein product. This variant is expected to result in nonsense mediated decay, truncation, or a dysfunctional protein product. This variant is rare in the general population with a frequency below the threshold expected for the associated phenotype(s). Another variant at this same site results in an alteration predicted to cause a similar molecular effect has been observed in individual(s) with the associated phenotype. Given the available evidence, this variant is classified as Pathogenic.

NM_138413.4(HOGA1):c.834+1dup

Gene: HOGA1 (4-hydroxy-2-oxoglutarate aldolase 1; plus strand). Cytogenetic location: 10q24.2.
Variant type: Duplication.
Coding change: c.834+1dup on transcript NM_138413.4 (MANE Select); the canonical splice donor site of the intron after coding-DNA position 834, one base duplicated (G; older notation c.834+1dupG).
Molecular consequence: splice donor variant.
Genome position (GRCh38, 1-based): chr10:97,601,991, G duplicated; the last of 2 consecutive G bases (chr10:97,601,990-97,601,991); duplicating either gives the same sequence. VCF-style (leftmost placement, unchanged base first): chr10-97601989-C-CG. GRCh37 (hg19) VCF-style: chr10-99361746-C-CG.
Other names: c.345+1dup (NM_001134670.2).
Identifiers: ClinVar variation 4069395 (VCV004069395.2).
Genomic context (GRCh38, chr10:97,601,989, plus strand): 5'-GCACGGGGCAATGGGAAGATGCCCAGAAACTGCAGCACCGCCTCATTGAGCCAAACGCTG[C>CG]GGTGAGCCAGTGGCAGCGGGGGCGCGGCCTGGCGGGGGGTGGGCAGTCTGTGTCCTCATT-3'